The following is an entry in ClinVar:

NM_139321.3(ATRN):c.3136A>G (p.Met1046Val)

Gene: ATRN (attractin; plus strand). Cytogenetic location: 20p13.
Variant type: single nucleotide variant.
Coding change: c.3136A>G on transcript NM_139321.3 (MANE Select); coding-DNA position 3136, A replaced by G.
Protein change: p.Met1046Val; replaces methionine 1046 with valine.
Molecular consequence: missense variant.
Genome position (GRCh38, 1-based): chr20:3,584,832, A>G. VCF-style: chr20-3584832-A-G. GRCh37 (hg19) VCF-style: chr20-3565479-A-G.
Other names: c.2788A>G, p.Met930Val (NM_001207047.3); c.3136A>G, p.Met1046Val (NM_001323332.2, NM_139322.4); short protein forms M930V, M1046V.
Identifiers: ClinVar variation 2776866 (VCV002776866.3), dbSNP rs1382363070, ClinGen allele CA408099812.

ClinVar aggregate classification (germline): Uncertain significance (1 of 4 stars; one submission).

Allele frequency attached by ClinVar (database versions not stated): gnomAD 0.00001.

Submission:

Labcorp Genetics (formerly Invitae), Labcorp
Classification: Uncertain significance. Last evaluated: 2023-02-08. Review status: criteria provided, single submitter. Criteria: Invitae Variant Classification Sherloc (09022015). Collection method: clinical testing. Allele origin: germline.
Comment: In summary, the available evidence is currently insufficient to determine the role of this variant in disease. Therefore, it has been classified as a Variant of Uncertain Significance. Algorithms developed to predict the effect of missense changes on protein structure and function are either unavailable or do not agree on the potential impact of this missense change (SIFT: "Deleterious"; PolyPhen-2: "Benign"; Align-GVGD: "Class C0"). This variant has not been reported in the literature in individuals affected with ATRN-related conditions. This variant is present in population databases (no rsID available, gnomAD 0.007%). This sequence change replaces methionine, which is neutral and non-polar, with valine, which is neutral and non-polar, at codon 1046 of the ATRN protein (p.Met1046Val).